The following is an entry in ClinVar:

ClinVar aggregate classification (germline): Uncertain significance (1 of 4 stars; one submission).

Conditions:
Arrhythmogenic cardiomyopathy with wooly hair and keratoderma. Also called: PALMOPLANTAR KERATODERMA WITH LEFT VENTRICULAR CARDIOMYOPATHY AND WOOLLY HAIR; Carvajal syndrome; Dilated cardiomyopathy with woolly hair and keratoderma; Arrhythmogenic cardiomyopathy with woolly hair and keratoderma. Identifiers: Orphanet 65282, MedGen C1854063, MONDO:0011581, OMIM 605676.
Arrhythmogenic right ventricular dysplasia 8 (ARVD8). Also called: Arrhythmogenic Right Ventricular Dysplasia/Cardiomyopathy 8; ARRHYTHMOGENIC RIGHT VENTRICULAR DYSPLASIA, FAMILIAL, 8; ARRHYTHMOGENIC RIGHT VENTRICULAR CARDIOMYOPATHY 8. Identifiers: MedGen C1843896, MONDO:0011831, OMIM 607450.

Submission:

Labcorp Genetics (formerly Invitae), Labcorp
Classification: Uncertain significance for Arrhythmogenic cardiomyopathy with wooly hair and keratoderma; Arrhythmogenic right ventricular dysplasia 8. Last evaluated: 2024-09-24. Review status: criteria provided, single submitter. Criteria: Invitae Variant Classification Sherloc (09022015). Collection method: clinical testing. Allele origin: germline.
Comment: This sequence change replaces valine, which is neutral and non-polar, with isoleucine, which is neutral and non-polar, at codon 2581 of the DSP protein (p.Val2581Ile). This variant is not present in population databases (gnomAD no frequency). This variant has not been reported in the literature in individuals affected with DSP-related conditions. An algorithm developed to predict the effect of missense changes on protein structure and function (PolyPhen-2) suggests that this variant is likely to be disruptive. In summary, the available evidence is currently insufficient to determine the role of this variant in disease. Therefore, it has been classified as a Variant of Uncertain Significance.

NM_004415.4(DSP):c.7741G>A (p.Val2581Ile)

Gene: DSP (desmoplakin; plus strand). Cytogenetic location: 6p24.3.
Variant type: single nucleotide variant.
Coding change: c.7741G>A on transcript NM_004415.4 (MANE Select); coding-DNA position 7741, G replaced by A.
Protein change: p.Val2581Ile; replaces valine 2581 with isoleucine.
Molecular consequence: missense variant.
Genome position (GRCh38, 1-based): chr6:7,585,003, G>A. VCF-style: chr6-7585003-G-A. GRCh37 (hg19) VCF-style: chr6-7585236-G-A.
Other names: c.5944G>A, p.Val1982Ile (NM_001008844.3); c.6412G>A, p.Val2138Ile (NM_001319034.2); short protein forms V1982I, V2138I, V2581I.
Identifiers: ClinVar variation 3759231 (VCV003759231.2).